The following is an entry in ClinVar:

NM_000744.7(CHRNA4):c.1025C>T (p.Thr342Ile)

Gene: CHRNA4 (cholinergic receptor nicotinic alpha 4 subunit; minus strand). Cytogenetic location: 20q13.33.
Variant type: single nucleotide variant.
Coding change: c.1025C>T on transcript NM_000744.7 (MANE Select); coding-DNA position 1025, C replaced by T.
Protein change: p.Thr342Ile; replaces threonine 342 with isoleucine.
Molecular consequence: missense variant. On other transcripts: non-coding transcript variant (1).
Genome position (GRCh38, 1-based): chr20:63,350,386, G>A on the plus strand (C>T on the coding strand, the complement: CHRNA4 is on the minus strand). VCF-style: chr20-63350386-G-A. GRCh37 (hg19) VCF-style: chr20-61981738-G-A.
Other names: c.497C>T, p.Thr166Ile (NM_001256573.2); short protein forms T166I, T342I.
Identifiers: ClinVar variation 2775612 (VCV002775612.3), dbSNP rs201993662, ClinGen allele CA317435443.

ClinVar aggregate classification (germline): Uncertain significance (1 of 4 stars; one submission).

Conditions:
Familial sleep-related hypermotor epilepsy. Also called: Autosomal Dominant Sleep-Related Hypermotor (Hyperkinetic) Epilepsy. Identifiers: Orphanet 98784, MedGen C3696898, MONDO:0000030.

Allele frequency attached by ClinVar (database versions not stated): gnomAD exomes 0.00001.

Submission:

Labcorp Genetics (formerly Invitae), Labcorp
Classification: Uncertain significance. Last evaluated: 2022-12-07. Review status: criteria provided, single submitter. Criteria: Invitae Variant Classification Sherloc (09022015). Collection method: clinical testing. Allele origin: germline.
Comment: This sequence change replaces threonine, which is neutral and polar, with isoleucine, which is neutral and non-polar, at codon 342 of the CHRNA4 protein (p.Thr342Ile). This variant is not present in population databases (gnomAD no frequency). This variant has not been reported in the literature in individuals affected with CHRNA4-related conditions. Advanced modeling of protein sequence and biophysical properties (such as structural, functional, and spatial information, amino acid conservation, physicochemical variation, residue mobility, and thermodynamic stability) performed at Invitae indicates that this missense variant is not expected to disrupt CHRNA4 protein function. In summary, the available evidence is currently insufficient to determine the role of this variant in disease. Therefore, it has been classified as a Variant of Uncertain Significance.